The following is an entry in ClinVar:

NM_024854.5(PYROXD1):c.667A>G (p.Arg223Gly)

Gene: PYROXD1 (pyridine nucleotide-disulphide oxidoreductase domain 1; plus strand). Cytogenetic location: 12p12.1.
Variant type: single nucleotide variant.
Coding change: c.667A>G on transcript NM_024854.5 (MANE Select); coding-DNA position 667, A replaced by G.
Protein change: p.Arg223Gly; replaces arginine 223 with glycine.
Molecular consequence: missense variant. On other transcripts: 5 prime UTR variant (1).
Genome position (GRCh38, 1-based): chr12:21,456,012, A>G. VCF-style: chr12-21456012-A-G. GRCh37 (hg19) VCF-style: chr12-21608946-A-G.
Other names: c.454A>G, p.Arg152Gly (NM_001350912.2); c.-111A>G (NM_001350913.2); short protein forms R223G, R152G.
Identifiers: ClinVar variation 1966750 (VCV001966750.4), dbSNP rs909582877, ClinGen allele CA233548377.

ClinVar aggregate classification (germline): Uncertain significance (1 of 4 stars; one submission).

Allele frequency attached by ClinVar (database versions not stated): gnomAD 0.00001; gnomAD exomes 0.00001.
gnomAD v4.1: 16 of 1,607,724 alleles (0.001%); highest among the groups gnomAD compares: African/African-American, 0.0027%; no homozygotes.

Submission:

Labcorp Genetics (formerly Invitae), Labcorp
Classification: Uncertain significance. Last evaluated: 2022-06-15. Review status: criteria provided, single submitter. Criteria: Invitae Variant Classification Sherloc (09022015). Collection method: clinical testing. Allele origin: germline.
Comment: In summary, the available evidence is currently insufficient to determine the role of this variant in disease. Therefore, it has been classified as a Variant of Uncertain Significance. Algorithms developed to predict the effect of missense changes on protein structure and function output the following: SIFT: "Tolerated"; PolyPhen-2: "Benign"; Align-GVGD: "Class C0". The glycine amino acid residue is found in multiple mammalian species, which suggests that this missense change does not adversely affect protein function. This variant has not been reported in the literature in individuals affected with PYROXD1-related conditions. This variant is present in population databases (no rsID available, gnomAD 0.007%). This sequence change replaces arginine, which is basic and polar, with glycine, which is neutral and non-polar, at codon 223 of the PYROXD1 protein (p.Arg223Gly).